The following is an entry in ClinVar:

NM_001382567.1(STIM1):c.1459C>G (p.Pro487Ala)

Gene: STIM1 (stromal interaction molecule 1; plus strand). Cytogenetic location: 11p15.4.
Variant type: single nucleotide variant.
Coding change: c.1459C>G on transcript NM_001382567.1 (MANE Select); coding-DNA position 1459, C replaced by G.
Protein change: p.Pro487Ala; replaces proline 487 with alanine.
Molecular consequence: missense variant. On other transcripts: non-coding transcript variant (2).
Genome position (GRCh38, 1-based): chr11:4,083,483, C>G. VCF-style: chr11-4083483-C-G. GRCh37 (hg19) VCF-style: chr11-4104713-C-G.
Other names: c.1459C>G, p.Pro487Ala (NM_001277961.3, NM_001277962.2, NM_003156.4); c.1237C>G, p.Pro413Ala (NM_001382566.1, NM_001382573.1, NM_001382575.1 and 4 more transcripts); c.1480C>G, p.Pro494Ala (NM_001382568.1); c.1324C>G, p.Pro442Ala (NM_001382569.1); c.1231C>G, p.Pro411Ala (NM_001382570.1); c.979C>G, p.Pro327Ala (NM_001382571.1); c.970C>G, p.Pro324Ala (NM_001382580.1, NM_001382581.1); short protein forms P327A, P494A, P324A, P411A, P442A, P487A, P413A.
Identifiers: ClinVar variation 2939741 (VCV002939741.3), dbSNP rs2094476134, ClinGen allele CA379194519.

ClinVar aggregate classification (germline): Uncertain significance (1 of 4 stars; one submission).

Conditions:
Myopathy with tubular aggregates (TAM). Also called: Tubular Aggregate Myopathy. Identifiers: Orphanet 2593, MedGen C0410207, MONDO:0008051.
Stormorken syndrome (STRMK). Also called: THROMBOCYTOPATHY, ASPLENIA, AND MIOSIS. Identifiers: Orphanet 3204, MedGen C1861451, MONDO:0008497, OMIM 185070.
Combined immunodeficiency due to STIM1 deficiency. Also called: STIM1 DEFICIENCY; IMMUNODEFICIENCY 10. Identifiers: Orphanet 169090, Orphanet 317430, MedGen C2748557, MONDO:0013008, OMIM 612783.

Submission:

Labcorp Genetics (formerly Invitae), Labcorp
Classification: Uncertain significance for Myopathy with tubular aggregates; Combined immunodeficiency due to STIM1 deficiency; Stormorken syndrome. Last evaluated: 2023-04-17. Review status: criteria provided, single submitter. Criteria: Invitae Variant Classification Sherloc (09022015). Collection method: clinical testing. Allele origin: germline.
Comment: This sequence change replaces proline, which is neutral and non-polar, with alanine, which is neutral and non-polar, at codon 487 of the STIM1 protein (p.Pro487Ala). This variant is not present in population databases (gnomAD no frequency). This variant has not been reported in the literature in individuals affected with STIM1-related conditions. Advanced modeling of protein sequence and biophysical properties (such as structural, functional, and spatial information, amino acid conservation, physicochemical variation, residue mobility, and thermodynamic stability) performed at Invitae indicates that this missense variant is not expected to disrupt STIM1 protein function. In summary, the available evidence is currently insufficient to determine the role of this variant in disease. Therefore, it has been classified as a Variant of Uncertain Significance.